The following is an entry in ClinVar:

NM_001278689.2(EOGT):c.118A>T (p.Ile40Phe)

Gene: EOGT (EGF domain specific O-linked N-acetylglucosamine transferase; minus strand). Cytogenetic location: 3p14.1.
Variant type: single nucleotide variant.
Coding change: c.118A>T on transcript NM_001278689.2 (MANE Select); coding-DNA position 118, A replaced by T.
Protein change: p.Ile40Phe; replaces isoleucine 40 with phenylalanine.
Molecular consequence: missense variant. On other transcripts: non-coding transcript variant (1).
Genome position (GRCh38, 1-based): chr3:69,009,729, T>A on the plus strand (A>T on the coding strand, the complement: EOGT is on the minus strand). VCF-style: chr3-69009729-T-A. GRCh37 (hg19) VCF-style: chr3-69058880-T-A.
Other names: c.118A>T, p.Ile40Phe (NM_173654.3); short protein forms I40F.
Identifiers: ClinVar variation 1491206 (VCV001491206.8), dbSNP rs2107402281, ClinGen allele CA353469769.
Genomic context (GRCh38, chr3:69,009,729, plus strand): 5'-CAGTGGCAATATGCCTATTGTTGTGCAAAAAGAAGGGAATGTGCTCCTCTGGCAAGCGGA[T>A]GCTGGCATAGTTATACAGAGGTTCGCCTGGAATGCTGTGAGTATTAGGAGGAGCTTCATT-3'
Protein context (NP_001265618.1, residues 30-50): PGEPLYNYAS[Ile40Phe]RLPEEHIPFF

ClinVar aggregate classification (germline): Uncertain significance (1 of 4 stars; one submission).

Conditions:
Adams-Oliver syndrome 4 (AOS4). Identifiers: Orphanet 974, MedGen C3809092, MONDO:0014124, OMIM 615297.

Allele frequency attached by ClinVar (database versions not stated): gnomAD exomes below 0.00001.

Submission:

Labcorp Genetics (formerly Invitae), Labcorp
Classification: Uncertain significance for Adams-Oliver syndrome 4. Last evaluated: 2021-02-16. Review status: criteria provided, single submitter. Criteria: Invitae Variant Classification Sherloc (09022015). Collection method: clinical testing. Allele origin: germline.
Comment: In summary, the available evidence is currently insufficient to determine the role of this variant in disease. Therefore, it has been classified as a Variant of Uncertain Significance. Algorithms developed to predict the effect of missense changes on protein structure and function (SIFT, PolyPhen-2, Align-GVGD) all suggest that this variant is likely to be tolerated, but these predictions have not been confirmed by published functional studies and their clinical significance is uncertain. This variant has not been reported in the literature in individuals with EOGT-related conditions. This variant is not present in population databases (ExAC no frequency). This sequence change replaces isoleucine with phenylalanine at codon 40 of the EOGT protein (p.Ile40Phe). The isoleucine residue is moderately conserved and there is a small physicochemical difference between isoleucine and phenylalanine.